The following is an entry in ClinVar:

ClinVar aggregate classification (germline): Likely pathogenic (0 of 4 stars; one submission).

Conditions:
Diamond-Blackfan anemia 1 (DBA1). Also called: RPS19-Related Diamond-Blackfan Anemia; BLACKFAN-DIAMOND SYNDROME; ANEMIA, CONGENITAL HYPOPLASTIC, OF BLACKFAN AND DIAMOND; ANEMIA, CONGENITAL ERYTHROID HYPOPLASTIC; RED CELL APLASIA, PURE, HEREDITARY; AREGENERATIVE ANEMIA, CHRONIC CONGENITAL. Identifiers: Orphanet 124, MedGen C2676137, MONDO:0007110, OMIM 105650.

Submission:

Genetic Services Laboratory, University of Chicago
Classification: Likely pathogenic for Diamond-Blackfan anemia 1. Last evaluated: 2021-12-21. Review status: no assertion criteria provided. Collection method: clinical testing. Allele origin: germline. Affected: yes.
Comment: DNA sequence analysis of the RPS19 gene in demonstrated a sequence change located near the canonical splice donor site in intron 4, c.356+3A>C. This sequence change does not appear to have been previously described in patients with RPS19-related disorders and has also not been described as a known benign sequence change in the RPS19 gene. Based on in silico splice prediction programs, this sequence change likely affects normal splicing of the RPS19 gene, which would result in an abnormal protein, however functional studies have not been performed to prove this conclusively.

NM_001022.4(RPS19):c.356+3A>C

Genes: RPS19 (ribosomal protein S19; plus strand), RPS19-CD79A (RPS19-CD79A readthrough; plus strand). Cytogenetic location: 19q13.2.
Variant type: single nucleotide variant.
Coding change: c.356+3A>C on transcript NM_001022.4 (MANE Select); 3 bases into the intron after coding-DNA position 356, A replaced by C.
Molecular consequence: intron variant.
Genome position (GRCh38, 1-based): chr19:41,869,217, A>C. VCF-style: chr19-41869217-A-C. GRCh37 (hg19) VCF-style: chr19-42373287-A-C.
Other names: c.356+3A>C (NM_001321484.2, NM_001321483.2); c.369+3A>C (NM_001321485.2).
Identifiers: ClinVar variation 436553 (VCV000436553.9), dbSNP rs1555841379, ClinGen allele CA645372649.